The following is an entry in ClinVar:

ClinVar aggregate classification (germline): Uncertain significance (1 of 4 stars; one submission).

Conditions:
Inborn genetic diseases. Identifiers: MedGen C0950123, MeSH D030342.

gnomAD v4.1: 1 of 1,613,806 alleles (0.000062%); highest among the groups gnomAD compares: Non-Finnish European, 0.000085%; no homozygotes.

Submission:

Ambry Genetics
Classification: Uncertain significance for Inborn genetic diseases. Last evaluated: 2026-08-23. Review status: criteria provided, single submitter. Criteria: Ambry Variant Classification Scheme 2023. Collection method: clinical testing. Allele origin: germline.
Comment: The p.L610V variant (also known as c.1828T>G), located in coding exon 18 of the ANKRD26 gene, results from a T to G substitution at nucleotide position 1828. The leucine at codon 610 is replaced by valine, an amino acid with highly similar properties. This amino acid position is conserved. In addition, this alteration is predicted to be tolerated by in silico analysis. Based on the available evidence, the clinical significance of this variant remains unclear.

NM_014915.3(ANKRD26):c.1828T>G (p.Leu610Val)

Gene: ANKRD26 (ankyrin repeat domain 26; minus strand). Cytogenetic location: 10p12.1.
Variant type: single nucleotide variant.
Coding change: c.1828T>G on transcript NM_014915.3 (MANE Select); coding-DNA position 1828, T replaced by G.
Protein change: p.Leu610Val; replaces leucine 610 with valine.
Molecular consequence: missense variant.
Genome position (GRCh38, 1-based): chr10:27,046,510, A>C on the plus strand (T>G on the coding strand, the complement: ANKRD26 is on the minus strand). VCF-style: chr10-27046510-A-C. GRCh37 (hg19) VCF-style: chr10-27335439-A-C.
Other names: c.1825T>G, p.Leu609Val (NM_001256053.2); short protein forms L609V, L610V.
Identifiers: ClinVar variation 5023618 (VCV005023618.1).
Genomic context (GRCh38, chr10:27,046,510, plus strand): 5'-TCACAGATTCTTTCGAGGTCCGTTTTTCTTTTTCAGTGCTCTTTACTTCCTTCATTTGCA[A>C]GGCAGGACCACTACTTTAAAAAATCCATGGGAAATGACAGTTACATAAGAAAAAAGAAAA-3'
Protein context (NP_055730.2, residues 600-620): NKEYASSGPA[Leu610Val]QMKEVKSTEK